The following is an entry in ClinVar:

NM_003664.5(AP3B1):c.2587C>G (p.Pro863Ala)

Gene: AP3B1 (adaptor related protein complex 3 subunit beta 1; minus strand). Cytogenetic location: 5q14.1.
Variant type: single nucleotide variant.
Coding change: c.2587C>G on transcript NM_003664.5 (MANE Select); coding-DNA position 2587, C replaced by G.
Protein change: p.Pro863Ala; replaces proline 863 with alanine.
Molecular consequence: missense variant.
Genome position (GRCh38, 1-based): chr5:78,039,265, G>C on the plus strand (C>G on the coding strand, the complement: AP3B1 is on the minus strand). VCF-style: chr5-78039265-G-C. GRCh37 (hg19) VCF-style: chr5-77335089-G-C.
Other names: c.2440C>G, p.Pro814Ala (NM_001271769.2); c.2587C>G (NM_003664.3); short protein forms P863A, P814A.
Identifiers: ClinVar variation 935536 (VCV000935536.11), dbSNP rs1056281695, ClinGen allele CA121597002.
Genomic context (GRCh38, chr5:78,039,265, plus strand): 5'-CTAGTCCTTTTCCACTCATTCGATGAAGCAGCACGTGAGTTTTCGTTGGTACAAATGCAG[G>C]AGTACTGACCTATTACACACGGCAAAAAGAAAAAAAGATGAGTTAGTGAATATAATTATT-3'
Protein context (NP_003655.3, residues 853-873): TSSSVISVST[Pro863Ala]AFVPTKTHVL

ClinVar aggregate classification (germline): Uncertain significance. Review status: criteria provided, multiple submitters, no conflicts (2 of 4 stars). 2 submissions from 2 submitters: Uncertain significance (2). Last evaluated 2024-08-01.

Conditions:
Hermansky-Pudlak syndrome 2 (HPS2). Also called: Platelet defects and oculocutaneous albinism. Identifiers: Orphanet 183678, Orphanet 79430, MedGen C1842362, MONDO:0011997, OMIM 608233.
Inborn genetic diseases. Identifiers: MedGen C0950123, MeSH D030342.

Allele frequency attached by ClinVar (database versions not stated): gnomAD 0.00001; TOPMed 0.00004.
gnomAD v4.1: 9 of 1,613,606 alleles (0.00056%); highest among the groups gnomAD compares: Admixed American, 0.0067%; no homozygotes.

Submissions (2):

Ambry Genetics
Classification: Uncertain significance for Inborn genetic diseases. Last evaluated: 2024-08-01. Review status: criteria provided, single submitter. Criteria: Ambry Variant Classification Scheme 2023. Collection method: clinical testing. Allele origin: germline.

Labcorp Genetics (formerly Invitae), Labcorp
Classification: Uncertain significance for Hermansky-Pudlak syndrome 2. Last evaluated: 2024-01-29. Review status: criteria provided, single submitter. Criteria: Invitae Variant Classification Sherloc (09022015). Collection method: clinical testing. Allele origin: germline.
Comment: This sequence change replaces proline, which is neutral and non-polar, with alanine, which is neutral and non-polar, at codon 863 of the AP3B1 protein (p.Pro863Ala). This variant is present in population databases (no rsID available, gnomAD 0.009%). This variant has not been reported in the literature in individuals affected with AP3B1-related conditions. ClinVar contains an entry for this variant (Variation ID: 935536). An algorithm developed to predict the effect of missense changes on protein structure and function (PolyPhen-2) suggests that this variant is likely to be disruptive. In summary, the available evidence is currently insufficient to determine the role of this variant in disease. Therefore, it has been classified as a Variant of Uncertain Significance.